The following is an entry in ClinVar:

NM_015488.5(PNKD):c.1022C>G (p.Pro341Arg)

Genes: CATIP-AS2 (CATIP antisense RNA 2; minus strand), PNKD (PNKD metallo-beta-lactamase domain containing; plus strand). Cytogenetic location: 2q35.
Variant type: single nucleotide variant.
Coding change: c.1022C>G on transcript NM_015488.5 (MANE Select); coding-DNA position 1022, C replaced by G.
Protein change: p.Pro341Arg; replaces proline 341 with arginine.
Molecular consequence: missense variant.
Genome position (GRCh38, 1-based): chr2:218,344,845, C>G. VCF-style: chr2-218344845-C-G. GRCh37 (hg19) VCF-style: chr2-219209568-C-G.
Other names: c.950C>G, p.Pro317Arg (NM_022572.5); short protein forms P341R, P317R.
Identifiers: ClinVar variation 4709588 (VCV004709588.1).

ClinVar aggregate classification (germline): Uncertain significance (1 of 4 stars; one submission).

Conditions:
Paroxysmal nonkinesigenic dyskinesia. Also called: Paroxysmal non-kinesigenic dyskinesia. Identifiers: Orphanet 98810, MedGen C1869117, MONDO:0700088.

Submission:

Labcorp Genetics (formerly Invitae), Labcorp
Classification: Uncertain significance for Paroxysmal nonkinesigenic dyskinesia. Last evaluated: 2025-08-04. Review status: criteria provided, single submitter. Criteria: Invitae Variant Classification Sherloc (09022015). Collection method: clinical testing. Allele origin: germline.
Comment: This sequence change replaces proline, which is neutral and non-polar, with arginine, which is basic and polar, at codon 341 of the PNKD protein (p.Pro341Arg). This variant is not present in population databases (gnomAD no frequency). This variant has not been reported in the literature in individuals affected with PNKD-related conditions. Invitae Evidence Modeling of protein sequence and biophysical properties (such as structural, functional, and spatial information, amino acid conservation, physicochemical variation, residue mobility, and thermodynamic stability) indicates that this missense variant is expected to disrupt PNKD protein function with a positive predictive value of 80%. In summary, the available evidence is currently insufficient to determine the role of this variant in disease. Therefore, it has been classified as a Variant of Uncertain Significance.